The following is an entry in ClinVar:

ClinVar aggregate classification (germline): Pathogenic/Likely pathogenic. Review status: criteria provided, multiple submitters, no conflicts (2 of 4 stars). 2 submissions from 2 submitters: Pathogenic (1); Likely pathogenic (1). Last evaluated 2021-10-31.

Conditions:
Cranioectodermal dysplasia 1 (CED1). Also called: LEVIN SYNDROME I. Identifiers: Orphanet 1515, MedGen C0432235, MONDO:0021093, OMIM 218330.

Allele frequency attached by ClinVar (database versions not stated): TOPMed 0.00002.
gnomAD v4.1: 4 of 1,614,110 alleles (0.00025%); highest among the groups gnomAD compares: East Asian, 0.0022%; no homozygotes.

Submissions (2):

Genetics and Genomic Medicine Centre, NeuroGen Healthcare, NeuroGen Healthcare
Classification: Pathogenic for Cranioectodermal dysplasia 1. Last evaluated: 2021-10-31. Review status: criteria provided, single submitter. Criteria: Submitter's publication. Collection method: clinical testing. Allele origin: unknown. Affected: no.

GeneDx
Classification: Likely pathogenic. Last evaluated: 2015-12-23. Review status: criteria provided, single submitter. Criteria: GeneDx Variant Classification (06012015). Collection method: clinical testing. Allele origin: germline. Affected: yes.
Comment: The Y994C variant in the IFT122 gene has not been reported previously as a pathogenic variant, nor as a benign variant, to our knowledge. The Y994C variant was not observed in approximately 6500 individuals of European and African American ancestry in the NHLBI Exome Sequencing Project, indicating it is not a common benign variant in these populations. The Y994C variant is a non-conservative amino acid substitution, which is likely to impact secondary protein structure as these residues differ in polarity, charge, size and/or other properties. This substitution occurs at a position that is not conserved. In silico analysis predicts this variant likely does not alter the protein structure/function. The Y994C variant is a strong candidate for a pathogenic variant, however the possibility it may be a rare benign variant cannot be excluded.

NM_052989.3(IFT122):c.2828A>G (p.Tyr943Cys)

Gene: IFT122 (intraflagellar transport 122; plus strand). Cytogenetic location: 3q22.1.
Variant type: single nucleotide variant.
Coding change: c.2828A>G on transcript NM_052989.3 (MANE Select); coding-DNA position 2828, A replaced by G.
Protein change: p.Tyr943Cys; replaces tyrosine 943 with cysteine.
Molecular consequence: missense variant.
Genome position (GRCh38, 1-based): chr3:129,507,704, A>G. VCF-style: chr3-129507704-A-G. GRCh37 (hg19) VCF-style: chr3-129226547-A-G.
Other names: c.2807A>G, p.Tyr936Cys (NM_001280541.2); c.2378A>G, p.Tyr793Cys (NM_001280545.2); c.2201A>G, p.Tyr734Cys (NM_001280546.2); c.2651A>G, p.Tyr884Cys (NM_018262.4); c.2981A>G, p.Tyr994Cys (NM_052985.4); c.2498A>G, p.Tyr833Cys (NM_052990.3); short protein forms Y994C, Y943C, Y734C, Y936C, Y793C, Y833C, Y884C.
Identifiers: ClinVar variation 381963 (VCV000381963.4), dbSNP rs776099605, ClinGen allele CA2606669.